The following is an entry in ClinVar:

ClinVar aggregate classification (germline): Uncertain significance (1 of 4 stars; one submission).

Conditions:
Hypertrophic cardiomyopathy 14. Identifiers: MedGen C2750467, MONDO:0013197, OMIM 613251.

Submission:

Labcorp Genetics (formerly Invitae), Labcorp
Classification: Uncertain significance for Hypertrophic cardiomyopathy 14. Last evaluated: 2023-01-03. Review status: criteria provided, single submitter. Criteria: Invitae Variant Classification Sherloc (09022015). Collection method: clinical testing. Allele origin: germline.
Comment: In summary, the available evidence is currently insufficient to determine the role of this variant in disease. Therefore, it has been classified as a Variant of Uncertain Significance. Algorithms developed to predict the effect of sequence changes on RNA splicing suggest that this variant may disrupt the consensus splice site. This variant has not been reported in the literature in individuals affected with MYH6-related conditions. This variant is not present in population databases (gnomAD no frequency). This sequence change affects a donor splice site in intron 12 of the MYH6 gene. It is expected to disrupt RNA splicing. Variants that disrupt the donor or acceptor splice site typically lead to a loss of protein function (PMID: 16199547), however the current clinical and genetic evidence is not sufficient to establish whether loss-of-function variants in MYH6 cause disease.

Literature cited by the submitters: PubMed 16199547.

NM_002471.4(MYH6):c.1141+2T>G

Gene: MYH6 (myosin heavy chain 6; minus strand). Cytogenetic location: 14q11.2.
Variant type: single nucleotide variant.
Coding change: c.1141+2T>G on transcript NM_002471.4 (MANE Select); the canonical splice donor site of the intron after coding-DNA position 1141, T replaced by G.
Molecular consequence: splice donor variant.
Genome position (GRCh38, 1-based): chr14:23,402,462, A>C on the plus strand (T>G on the coding strand, the complement: MYH6 is on the minus strand). VCF-style: chr14-23402462-A-C. GRCh37 (hg19) VCF-style: chr14-23871671-A-C.
Identifiers: ClinVar variation 2826038 (VCV002826038.3), dbSNP rs1595062631, ClinGen allele CA389025591.